The following is an entry in ClinVar:

ClinVar aggregate classification (germline): Pathogenic. Review status: reviewed by expert panel (3 of 4 stars). 17 submissions from 17 submitters: Pathogenic (1). 16 of the submissions do not count toward it. Last evaluated 2018-08-10.

Conditions:
PAH-related disorder. Also called: PAH-related condition.
Phenylketonuria (PKU). Also called: Phenylketonuria (PKU); Phenylketonurias; OLIGOPHRENIA PHENYLPYRUVICA; FOLLING DISEASE. Identifiers: Orphanet 716, MedGen C0031485, MONDO:0009861, OMIM 261600. Disease mechanism: loss of function.

Allele frequency attached by ClinVar (database versions not stated): gnomAD exomes 0.00006 and 0.00003; gnomAD 0.00004; ExAC 0.00005; TOPMed 0.00003.
gnomAD v4.1: 89 of 1,613,768 alleles (0.0055%); highest among the groups gnomAD compares: East Asian, 0.018%; no homozygotes.

Submissions (17):

ClinGen PAH Variant Curation Expert Panel
Classification: Pathogenic for Phenylketonuria. Last evaluated: 2018-08-10. Review status: reviewed by expert panel. Criteria: ClinGen PAH ACMG Specifications v1. Collection method: curation. Allele origin: germline. Inheritance: Autosomal recessive inheritance.
Comment: PAH-specific ACMG/AMP criteria applied: PVS1: Nonsense variant; PP4_Moderate: Seen in multiple Chinese PKU patients. BH4 deficiency excluded. (PMID:1301187; PMID:2816939; PMID:9860305); PM3: Detected with R243Q, pathogenic in ClinVar (PMID:15503242). In summary this variant meets criteria to be classified as pathogenic for phenylketonuria in an autosomal recessive manner based on the ACMG/AMP criteria applied as specified by the PAH Expert Panel: (PVS1, PP4_Moderate, PM3).

PreventionGenetics, part of Exact Sciences
Classification: Pathogenic for PAH-related condition. Last evaluated: 2026-07-27. Review status: criteria provided, single submitter. Criteria: ACMG Guidelines, 2015. Collection method: clinical testing. Allele origin: germline. Not counted in ClinVar's aggregate classification.
Comment: The PAH c.331C>T variant is predicted to result in premature protein termination (p.Arg111*). This variant has been reported in the homozygous state or heterozygous state along with a second pathogenic PAH variant in numerous individuals with phenylalanine hydroxylase deficiency (Liang et al. 2014. PubMed ID: 24401910; Wang et al. 2018. PubMed ID: 29499199; Table S3, Hillert et al. 2020. PubMed ID: 32668217). This variant has been reported to lead to a residual enzyme activity of ~1% relative to wild-type and result in a mutant PAH protein that is non-responsive to tetrahydrobiopterin (BH4) (Zurflüh et al. 2008. PubMed ID: 17935162). Along with the ClinGen PAH Variant Curation Expert Panel and several other laboratories (ClinVar ID: 581), we classify the c.331C>T (p.Arg111*) variant as pathogenic.

Labcorp Genetics (formerly Invitae), Labcorp
Classification: Pathogenic for Phenylketonuria. Last evaluated: 2025-11-05. Review status: criteria provided, single submitter. Criteria: Invitae Variant Classification Sherloc (09022015). Collection method: clinical testing. Allele origin: germline. Not counted in ClinVar's aggregate classification.
Comment: This sequence change creates a premature translational stop signal (p.Arg111*) in the PAH gene. It is expected to result in an absent or disrupted protein product. Loss-of-function variants in PAH are known to be pathogenic (PMID: 1301187, 9634518). This variant is present in population databases (rs76296470, gnomAD 0.02%). This premature translational stop signal has been observed in individuals with phenylketonuria (PMID: 12542580, 16256386, 21307867, 24401910, 27121329). ClinVar contains an entry for this variant (Variation ID: 581). For these reasons, this variant has been classified as Pathogenic.

Natera, Inc.
Classification: Pathogenic for Phenylketonuria. Last evaluated: 2025-04-15. Review status: criteria provided, single submitter. Criteria: Natera Variant Classification Schema (03/2026). Collection method: clinical testing. Allele origin: germline. Not counted in ClinVar's aggregate classification.
Comment: The c.331C>T variant in PAH is a nonsense variant predicted to introduce a stop codon at amino acid 111. This variant is expected to result in nonsense mediated decay, truncation, or a dysfunctional protein product. This variant is rare in the general population with a frequency below the threshold expected for the associated phenotype(s). This variant has been observed in one or more individuals affected with the associated recessive disease, as either homozygous or compound heterozygous with a second variant (PMID: 30050108). Additionally, this variant has been observed to segregate in affected family members (PMID: 11207989). Given the available evidence, this variant is classified as Pathogenic.

Blueprint Genetics
Classification: Pathogenic for PAH-related disorders. Last evaluated: 2024-08-14. Review status: criteria provided, single submitter. Criteria: ACMG Guidelines, 2015. Collection method: clinical testing. Allele origin: germline. Affected: yes. Observed: 4 variant alleles. Not counted in ClinVar's aggregate classification.

Quest Diagnostics Nichols Institute San Juan Capistrano
Classification: Pathogenic. Last evaluated: 2024-07-12. Review status: criteria provided, single submitter. Criteria: Quest Diagnostics criteria. Collection method: clinical testing. Allele origin: unknown. Not counted in ClinVar's aggregate classification.
Comment: The PAH c.331C>T (p.Arg111*) variant (also known as R111X) causes the premature termination of PAH protein synthesis. In the published literature, this variant has been reported in many individuals affected with phenylketonuria (PKU) (PMIDs: 17935162 (2008), 24401910 (2014), 29288420 (2018), 29413232 (2018), 36104584 (2022), and Gundorova et al. 2019 Russ J Genet 55:1025). The frequency of this variant in the general population, 0.000035 (4/113714 chromosomes (Genome Aggregation Database)), is consistent with pathogenicity. Based on the available information, this variant is classified as pathogenic.

Mayo Clinic Laboratories, Mayo Clinic
Classification: Pathogenic. Last evaluated: 2023-08-07. Review status: criteria provided, single submitter. Criteria: ACMG Guidelines, 2015. Collection method: clinical testing. Allele origin: germline. Observed: 1 variant allele. Not counted in ClinVar's aggregate classification.
Comment: PM2_moderate, PVS1

Fulgent Genetics
Classification: Pathogenic for Phenylketonuria. Last evaluated: 2022-03-15. Review status: criteria provided, single submitter. Criteria: ACMG Guidelines, 2015. Collection method: clinical testing. Allele origin: unknown. Not counted in ClinVar's aggregate classification.

Revvity Omics, Revvity
Classification: Pathogenic for Phenylketonuria. Last evaluated: 2020-11-20. Review status: criteria provided, single submitter. Criteria: ACMG Guidelines, 2015. Collection method: clinical testing. Allele origin: germline. Not counted in ClinVar's aggregate classification.

Women's Health and Genetics/Laboratory Corporation of America, LabCorp
Classification: Pathogenic for Phenylketonuria. Last evaluated: 2018-08-03. Review status: criteria provided, single submitter. Criteria: LabCorp Variant Classification Summary - May 2015. Collection method: clinical testing. Allele origin: germline. Not counted in ClinVar's aggregate classification.
Comment: Variant summary: PAH c.331C>T (p.Arg111X) results in a premature termination codon, predicted to cause a truncation of the encoded protein or absence of the protein due to nonsense mediated decay, which are commonly known mechanisms for disease. The variant allele was found at a frequency of 3.2e-05 in 246200 control chromosomes (gnomAD). The variant, c.331C>T, has been reported in the literature in multiple individuals affected with Phenylalanine Hydroxylase Deficiency (Phenylketonuria)(Tao_2015, Tyfield_1995). These data indicate that the variant is very likely to be associated with disease. Three ClinVar submissions from other clinical diagnostic laboratories (evaluation after 2014) cites the variant as "pathogenic." Based on the evidence outlined above, the variant was classified as pathogenic.

Eurofins Ntd Llc (ga)
Classification: Pathogenic. Last evaluated: 2015-02-18. Review status: criteria provided, single submitter. Criteria: EGL Classification Definitions 2015. Collection method: clinical testing. Allele origin: germline. Observed: 2 variant alleles, 2 heterozygotes. Not counted in ClinVar's aggregate classification.

Juno Genomics, Hangzhou Juno Genomics, Inc
Classification: Pathogenic for Phenylketonuria. Review status: criteria provided, single submitter. Criteria: ACMG Guidelines, 2015. Collection method: clinical testing. Allele origin: germline. Affected: yes. Not counted in ClinVar's aggregate classification.
Comment: Null variant in a gene where loss of function (LOF) is a known mechanism of disease.;For recessive disorders, detected in trans with a pathogenic variant.

Counsyl
Classification: Pathogenic for Phenylketonuria. Last evaluated: 2016-01-21. Review status: no assertion criteria provided. Collection method: clinical testing. Allele origin: unknown. Not counted in ClinVar's aggregate classification.

OMIM
Classification: Pathogenic for PHENYLKETONURIA. Last evaluated: 1990-05-01. Review status: no assertion criteria provided. Collection method: literature only. Allele origin: germline. Not counted in ClinVar's aggregate classification.

DeBelle Laboratory for Biochemical Genetics, MUHC/MCH RESEARCH INSTITUTE
No classification provided. Review status: no classification provided. Collection method: not provided. Allele origin: not provided. Not counted in ClinVar's aggregate classification.

Genome Diagnostics Laboratory, University Medical Center Utrecht
Classification: Pathogenic. Review status: no assertion criteria provided. Collection method: clinical testing. Allele origin: germline. Affected: yes. Study: VKGL Data-share Consensus. Not counted in ClinVar's aggregate classification.

Joint Genome Diagnostic Labs from Nijmegen and Maastricht, Radboudumc and MUMC+
Classification: Pathogenic. Review status: no assertion criteria provided. Collection method: clinical testing. Allele origin: germline. Affected: yes. Study: VKGL Data-share Consensus. Not counted in ClinVar's aggregate classification.

Literature cited by the submitters: PubMed 2816939 (cited by ClinGen PAH Variant Curation Expert Panel and Counsyl); PubMed 1301187 (cited by 3 submitters); PubMed 15503242 (cited by 3 submitters); PubMed 9860305 (cited by 3 submitters); PubMed 9634518 (cited by Labcorp Genetics (formerly Invitae), Labcorp); PubMed 12542580 (cited by Labcorp Genetics (formerly Invitae), Labcorp); PubMed 16256386 (cited by Labcorp Genetics (formerly Invitae), Labcorp and Counsyl); PubMed 21307867 (cited by Labcorp Genetics (formerly Invitae), Labcorp); PubMed 24401910 (cited by 3 submitters); PubMed 27121329 (cited by Labcorp Genetics (formerly Invitae), Labcorp); PubMed 30050108 (cited by Natera, Inc.); PubMed 11207989 (cited by Natera, Inc.); PubMed 17935162 (cited by 3 submitters); PubMed 29413232 (cited by Quest Diagnostics Nichols Institute San Juan Capistrano); PubMed 29288420 (cited by Quest Diagnostics Nichols Institute San Juan Capistrano); PubMed 36104584 (cited by Quest Diagnostics Nichols Institute San Juan Capistrano); PubMed 8592329 (cited by Women's Health and Genetics/Laboratory Corporation of America, LabCorp); PubMed 26322415 (cited by Women's Health and Genetics/Laboratory Corporation of America, LabCorp); PubMed 12655550 (cited by Counsyl); PubMed 10598814 (cited by Counsyl); PubMed 14722928 (cited by Counsyl); PubMed 19147918 (cited by Counsyl); PubMed 1975096 (cited by Counsyl and OMIM); PubMed 10234516 (cited by Counsyl); PubMed 16879198 (cited by Counsyl); PubMed 25525159 (cited by Counsyl); PubMed 19394257 (cited by Counsyl); PubMed 2309142 (cited by OMIM).

NM_000277.3(PAH):c.331C>T (p.Arg111Ter)

Gene: PAH (phenylalanine hydroxylase; minus strand). Cytogenetic location: 12q23.2.
Variant type: single nucleotide variant.
Coding change: c.331C>T on transcript NM_000277.3 (MANE Select); coding-DNA position 331, C replaced by T.
Protein change: p.Arg111Ter; replaces arginine 111 with a stop codon.
Molecular consequence: nonsense.
Genome position (GRCh38, 1-based): chr12:102,894,756, G>A on the plus strand (C>T on the coding strand, the complement: PAH is on the minus strand). VCF-style: chr12-102894756-G-A. GRCh37 (hg19) VCF-style: chr12-103288534-G-A.
Other names: NM_000277.2(PAH):c.331C>T; p.Arg111*; c.331C>T, p.Arg111Ter (NM_001354304.2); c.331C>T (NM_000277.2); short protein forms R111*.
Identifiers: ClinVar variation 581 (VCV000000581.113), dbSNP rs76296470, ClinGen allele CA251526.